The following is an entry in ClinVar:

NM_003051.4(SLC16A1):c.590C>G (p.Pro197Arg)

Gene: SLC16A1 (solute carrier family 16 member 1; minus strand). Cytogenetic location: 1p13.2.
Variant type: single nucleotide variant.
Coding change: c.590C>G on transcript NM_003051.4 (MANE Select); coding-DNA position 590, C replaced by G.
Protein change: p.Pro197Arg; replaces proline 197 with arginine.
Molecular consequence: missense variant.
Genome position (GRCh38, 1-based): chr1:112,917,816, G>C on the plus strand (C>G on the coding strand, the complement: SLC16A1 is on the minus strand). VCF-style: chr1-112917816-G-C. GRCh37 (hg19) VCF-style: chr1-113460438-G-C.
Other names: c.590C>G (NM_003051.3); c.590C>G, p.Pro197Arg (NM_001166496.2); short protein forms P197R.
Identifiers: ClinVar variation 2070404 (VCV002070404.5), dbSNP rs1282029814, ClinGen allele CA341828644.
Genomic context (GRCh38, chr1:112,917,816, plus strand): 5'-GCTTTCTCAAGGGATGCTTTAGACTTATCTTTCCCTGCCTTGGTTGGCTTGGGCCCGATT[G>C]GTCGCATGAGGGCTCCAGCAACACAGCAGTTTAGTAGCAAGCCCCCAAGAATTAGAAAGC-3'
Protein context (NP_003042.3, residues 187-207): NCCVAGALMR[Pro197Arg]IGPKPTKAGK

ClinVar aggregate classification (germline): Uncertain significance. Review status: criteria provided, multiple submitters, no conflicts (2 of 4 stars). 2 submissions from 2 submitters: Uncertain significance (2). Last evaluated 2025-02-13.

Allele frequency attached by ClinVar (database versions not stated): gnomAD exomes below 0.00001; TOPMed below 0.00001.
gnomAD v4.1: 2 of 1,614,138 alleles (0.00012%); highest among the groups gnomAD compares: Non-Finnish European, 0.00017%; no homozygotes.

Submissions (2):

Labcorp Genetics (formerly Invitae), Labcorp
Classification: Uncertain significance. Last evaluated: 2025-02-13. Review status: criteria provided, single submitter. Criteria: Invitae Variant Classification Sherloc (09022015). Collection method: clinical testing. Allele origin: germline.
Comment: This sequence change replaces proline, which is neutral and non-polar, with arginine, which is basic and polar, at codon 197 of the SLC16A1 protein (p.Pro197Arg). This variant is not present in population databases (gnomAD no frequency). This variant has not been reported in the literature in individuals affected with SLC16A1-related conditions. ClinVar contains an entry for this variant (Variation ID: 2070404). An algorithm developed to predict the effect of missense changes on protein structure and function (PolyPhen-2) suggests that this variant is likely to be disruptive. In summary, the available evidence is currently insufficient to determine the role of this variant in disease. Therefore, it has been classified as a Variant of Uncertain Significance.

Women's Health and Genetics/Laboratory Corporation of America, LabCorp
Classification: Uncertain significance. Last evaluated: 2023-05-18. Review status: criteria provided, single submitter. Criteria: LabCorp Variant Classification Summary - May 2015. Collection method: clinical testing. Allele origin: germline.
Comment: Variant summary: SLC16A1 c.590C>G (p.Pro197Arg) results in a non-conservative amino acid change located in the Major facilitator superfamily domain (IPR020846) of the encoded protein sequence. Five of five in-silico tools predict a damaging effect of the variant on protein function. The variant was absent in 251418 control chromosomes. The available data on variant occurrences in the general population are insufficient to allow any conclusion about variant significance. To our knowledge, no occurrence of c.590C>G in individuals affected with SLC16A1 Related Disorders and no experimental evidence demonstrating its impact on protein function have been reported. One clinical diagnostic laboratory has submitted clinical-significance assessments for this variant to ClinVar after 2014 and classified the variant as uncertain significance. Based on the evidence outlined above, the variant was classified as uncertain significance.